The following is an entry in ClinVar:

ClinVar aggregate classification (germline): Uncertain significance (1 of 4 stars; one submission).

Allele frequency attached by ClinVar (database versions not stated): TOPMed below 0.00001; gnomAD 0.00001.
gnomAD v4.1: 5 of 1,614,094 alleles (0.00031%); highest among the groups gnomAD compares: African/African-American, 0.0013%; no homozygotes.

Submission:

GeneDx
Classification: Uncertain significance. Last evaluated: 2022-06-25. Review status: criteria provided, single submitter. Criteria: GeneDx Variant Classification Process June 2021. Collection method: clinical testing. Allele origin: germline. Affected: yes.
Comment: In silico analysis supports that this missense variant does not alter protein structure/function; Has not been previously published as pathogenic or benign to our knowledge

NM_001429.4(EP300):c.4152C>G (p.Asp1384Glu)

Gene: EP300 (E1A binding protein p300; plus strand). Cytogenetic location: 22q13.2.
Variant type: single nucleotide variant.
Coding change: c.4152C>G on transcript NM_001429.4 (MANE Select); coding-DNA position 4152, C replaced by G.
Protein change: p.Asp1384Glu; replaces aspartic acid 1384 with glutamic acid.
Molecular consequence: missense variant.
Genome position (GRCh38, 1-based): chr22:41,168,847, C>G. VCF-style: chr22-41168847-C-G. GRCh37 (hg19) VCF-style: chr22-41564851-C-G.
Other names: c.4074C>G, p.Asp1358Glu (NM_001362843.2); short protein forms D1358E, D1384E.
Identifiers: ClinVar variation 1806709 (VCV001806709.1), dbSNP rs1366876915, ClinGen allele CA411700385.